The following is an entry in ClinVar:

NM_005655.4(KLF10):c.911C>G (p.Pro304Arg)

Gene: KLF10 (KLF transcription factor 10; minus strand). Cytogenetic location: 8q22.3.
Variant type: single nucleotide variant.
Coding change: c.911C>G on transcript NM_005655.4 (MANE Select); coding-DNA position 911, C replaced by G.
Protein change: p.Pro304Arg; replaces proline 304 with arginine.
Molecular consequence: missense variant.
Genome position (GRCh38, 1-based): chr8:102,651,421, G>C on the plus strand (C>G on the coding strand, the complement: KLF10 is on the minus strand). VCF-style: chr8-102651421-G-C. GRCh37 (hg19) VCF-style: chr8-103663649-G-C.
Other names: c.878C>G, p.Pro293Arg (NM_001032282.4); short protein forms P293R, P304R.
Identifiers: ClinVar variation 2820110 (VCV002820110.3), dbSNP rs759497115, ClinGen allele CA371626190.
Genomic context (GRCh38, chr8:102,651,421, plus strand): 5'-GGCTGGGGTACCACAAACATGACAGCGCCTTTGGGGACTTGTGTGCCCATGAACACAACA[G>C]GGGGGCAAACGGCTGGTGGCTGGCTGGGAGGAGTGCTGGGAACGACTGTTGTCACAACAG-3'
Protein context (NP_005646.1, residues 294-314): PPSQPPAVCP[Pro304Arg]VVFMGTQVPK

ClinVar aggregate classification (germline): Uncertain significance (1 of 4 stars; one submission).

Submission:

Labcorp Genetics (formerly Invitae), Labcorp
Classification: Uncertain significance. Last evaluated: 2025-12-08. Review status: criteria provided, single submitter. Criteria: Invitae Variant Classification Sherloc (09022015). Collection method: clinical testing. Allele origin: germline.
Comment: This sequence change replaces proline, which is neutral and non-polar, with arginine, which is basic and polar, at codon 304 of the KLF10 protein (p.Pro304Arg). This variant is not present in population databases (gnomAD no frequency). This variant has not been reported in the literature in individuals affected with KLF10-related conditions. ClinVar contains an entry for this variant (Variation ID: 2820110). An algorithm developed to predict the effect of missense changes on protein structure and function (PolyPhen-2) suggests that this variant is likely to be disruptive. In summary, the available evidence is currently insufficient to determine the role of this variant in disease. Therefore, it has been classified as a Variant of Uncertain Significance.